The following is an entry in ClinVar:

NM_017780.4(CHD7):c.5108C>T (p.Thr1703Ile)

Gene: CHD7 (chromodomain helicase DNA binding protein 7; plus strand). Cytogenetic location: 8q12.2.
Variant type: single nucleotide variant.
Coding change: c.5108C>T on transcript NM_017780.4 (MANE Select); coding-DNA position 5108, C replaced by T.
Protein change: p.Thr1703Ile; replaces threonine 1703 with isoleucine.
Molecular consequence: missense variant. On other transcripts: intron variant (1).
Genome position (GRCh38, 1-based): chr8:60,845,307, C>T. VCF-style: chr8-60845307-C-T. GRCh37 (hg19) VCF-style: chr8-61757866-C-T.
Other names: c.1717-16922C>T (NM_001316690.1); short protein forms T1703I.
Identifiers: ClinVar variation 1216502 (VCV001216502.12), dbSNP rs1236442873, ClinGen allele CA371320414.
Genomic context (GRCh38, chr8:60,845,307, plus strand): 5'-TAGGTTTGTCAGCTCCTGTGCCAAGGGGAAGGAAGGGAAAGAAGGTGAAAGCCCAGAGCA[C>T]ACAGCCGGTGGTGCAGGATGCCGACTGGCTGGCCAGCTGCAACCCAGATGCCCTGTTCCA-3'
Protein context (NP_060250.2, residues 1693-1713): RKGKKVKAQS[Thr1703Ile]QPVVQDADWL

ClinVar aggregate classification (germline): Conflicting classifications of pathogenicity. Review status: criteria provided, conflicting classifications (1 of 4 stars). 5 submissions from 5 submitters: Uncertain significance (4); Benign (1). Last evaluated 2024-02-07.

Conditions:
Inborn genetic diseases. Identifiers: MedGen C0950123, MeSH D030342.
CHARGE syndrome (CHARGE). Also called: Hittner Hirsch Kreh syndrome; CHARGE ASSOCIATION--COLOBOMA, HEART ANOMALY, CHOANAL ATRESIA, RETARDATION, GENITAL AND EAR ANOMALIES; Coloboma, heart anomaly, choanal atresia, retardation, genital and ear anomalies; CHARGE association; Hall-Hittner syndrome. Identifiers: Orphanet 138, MedGen C0265354, MONDO:0008965.

Allele frequency attached by ClinVar (database versions not stated): TOPMed below 0.00001.

Submissions (5):

Revvity Omics, Revvity
Classification: Uncertain significance. Last evaluated: 2024-02-07. Review status: criteria provided, single submitter. Criteria: ACMG Guidelines, 2015. Collection method: clinical testing. Allele origin: germline.

Labcorp Genetics (formerly Invitae), Labcorp
Classification: Benign for CHARGE syndrome. Last evaluated: 2023-08-23. Review status: criteria provided, single submitter. Criteria: Invitae Variant Classification Sherloc (09022015). Collection method: clinical testing. Allele origin: germline.

Athena Diagnostics
Classification: Uncertain significance. Last evaluated: 2023-01-18. Review status: criteria provided, single submitter. Criteria: Athena Diagnostics Criteria. Collection method: clinical testing. Allele origin: unknown.
Comment: Available data are insufficient to determine the clinical significance of the variant at this time. The frequency of this variant in the general population is uninformative in assessment of its pathogenicity. Computational tools predict that this variant is not damaging.

Ambry Genetics
Classification: Uncertain significance for Inborn genetic diseases. Last evaluated: 2022-05-11. Review status: criteria provided, single submitter. Criteria: Ambry Variant Classification Scheme 2023. Collection method: clinical testing. Allele origin: germline.

GeneDx
Classification: Uncertain significance. Last evaluated: 2021-04-19. Review status: criteria provided, single submitter. Criteria: GeneDx Variant Classification Process June 2021. Collection method: clinical testing. Allele origin: germline. Affected: yes.
Comment: Not observed at a significant frequency in large population cohorts (Lek et al., 2016); In silico analysis, which includes protein predictors and evolutionary conservation, supports that this variant does not alter protein structure/function; Has not been previously published as pathogenic or benign to our knowledge